The following is an entry in ClinVar:

NM_005476.7(GNE):c.1770C>T (p.Tyr590=)

Gene: GNE (glucosamine (UDP-N-acetyl)-2-epimerase/N-acetylmannosamine kinase; minus strand). Cytogenetic location: 9p13.3.
Variant type: single nucleotide variant.
Coding change: c.1770C>T on transcript NM_005476.7 (MANE Select); coding-DNA position 1770, C replaced by T.
Protein change: p.Tyr590=; no amino-acid change (tyrosine 590 retained).
Molecular consequence: synonymous variant.
Genome position (GRCh38, 1-based): chr9:36,219,884, G>A on the plus strand (C>T on the coding strand, the complement: GNE is on the minus strand). VCF-style: chr9-36219884-G-A. GRCh37 (hg19) VCF-style: chr9-36219881-G-A.
Other names: p.Tyr621=; c.1863C>T, p.Tyr621= (NM_001128227.3); c.1548C>T, p.Tyr516= (NM_001190383.3); c.1440C>T, p.Tyr480= (NM_001190384.3); c.1593C>T, p.Tyr531= (NM_001190388.2, NM_001374798.1); c.1617C>T, p.Tyr539= (NM_001374797.1).
Identifiers: ClinVar variation 95282 (VCV000095282.27), dbSNP rs111302956, ClinGen allele CA148383.

ClinVar aggregate classification (germline): Benign/Likely benign. Review status: criteria provided, multiple submitters, no conflicts (2 of 4 stars). 11 submissions from 11 submitters: Benign (7); Likely benign (1). 3 of the submissions do not count toward it. Last evaluated 2026-02-04.

Conditions:
Sialuria. Also called: SIALURIA, FRENCH TYPE; Sialic Acid Storage Disease. Identifiers: Orphanet 3166, MedGen C0342853, MONDO:0010028, OMIM 269921.
GNE myopathy (NM). Also called: MYOPATHY, DISTAL, WITH OR WITHOUT RIMMED VACUOLES; INCLUSION BODY MYOPATHY, HEREDITARY, AUTOSOMAL RECESSIVE; INCLUSION BODY MYOPATHY 2, AUTOSOMAL RECESSIVE; IBM 2; Inclusion body myopathy autosomal recessive; Inclusion body myopathy quadriceps sparing. Identifiers: Orphanet 602, MedGen C1853926, MONDO:0011603, OMIM 605820.

Allele frequency attached by ClinVar (database versions not stated): 1000 Genomes Project 0.00679; 1000 Genomes Project 30x 0.00734; TOPMed 0.01358; gnomAD 0.01631 and 0.01688; ESP Exome Variant Server 0.01638; gnomAD exomes 0.01804; ExAC 0.01935.
gnomAD v4.1: 31,911 of 1,614,008 alleles (2%); highest among the groups gnomAD compares: Non-Finnish European, 2.2%; 411 homozygotes.

Submissions (11):

Labcorp Genetics (formerly Invitae), Labcorp
Classification: Benign for Sialuria; GNE myopathy. Last evaluated: 2026-02-04. Review status: criteria provided, single submitter. Criteria: Invitae Variant Classification Sherloc (09022015). Collection method: clinical testing. Allele origin: germline.

Athena Diagnostics
Classification: Benign. Last evaluated: 2024-10-29. Review status: criteria provided, single submitter. Criteria: Athena Diagnostics Criteria. Collection method: clinical testing. Allele origin: unknown.

Mayo Clinic Laboratories, Mayo Clinic
Classification: Benign. Last evaluated: 2024-05-23. Review status: criteria provided, single submitter. Criteria: ACMG Guidelines, 2015. Collection method: clinical testing. Allele origin: germline. Observed: 66 variant alleles.
Comment: BS1, BS2, BP4, BP7

Illumina Laboratory Services, Illumina
Classification: Benign for Sialuria. Last evaluated: 2018-01-13. Review status: criteria provided, single submitter. Criteria: ICSL Variant Classification Criteria 13 December 2019. Collection method: clinical testing. Allele origin: germline.
Comment: This variant was observed in the ICSL laboratory as part of a predisposition screen in an ostensibly healthy population. It had not been previously curated by ICSL or reported in the Human Gene Mutation Database (HGMD: prior to June 1st, 2018), and was therefore a candidate for classification through an automated scoring system. Utilizing variant allele frequency, disease prevalence and penetrance estimates, and inheritance mode, an automated score was calculated to assess if this variant is too frequent to cause the disease. Based on the score and internal cut-off values, a variant classified as benign is not then subjected to further curation. The score for this variant resulted in a classification of benign for this disease.

Eurofins Ntd Llc (ga)
Classification: Benign. Last evaluated: 2016-09-15. Review status: criteria provided, single submitter. Criteria: EGL Classification Definitions 2015. Collection method: clinical testing. Allele origin: germline. Observed: 3 variant alleles, 3 heterozygotes.

GeneDx
Classification: Benign. Last evaluated: 2016-03-10. Review status: criteria provided, single submitter. Criteria: GeneDx Variant Classification (06012015). Collection method: clinical testing. Allele origin: germline. Affected: yes.
Comment: This variant is considered likely benign or benign based on one or more of the following criteria: it is a conservative change, it occurs at a poorly conserved position in the protein, it is predicted to be benign by multiple in silico algorithms, and/or has population frequency not consistent with disease.

PreventionGenetics, part of Exact Sciences
Classification: Benign. Last evaluated: 2016-01-22. Review status: criteria provided, single submitter. Criteria: ACMG Guidelines, 2015. Collection method: clinical testing. Allele origin: germline.

Breakthrough Genomics
Classification: Likely benign. Review status: criteria provided, single submitter. Criteria: ACMG Guidelines, 2015. Collection method: not provided. Allele origin: germline. Inheritance: Autosomal recessive inheritance. Affected: yes.

Natera, Inc.
Classification: Benign for Nonaka myopathy. Last evaluated: 2020-09-16. Review status: no assertion criteria provided. Collection method: clinical testing. Allele origin: germline. Not counted in ClinVar's aggregate classification.

Joint Genome Diagnostic Labs from Nijmegen and Maastricht, Radboudumc and MUMC+
Classification: Benign. Review status: no assertion criteria provided. Collection method: clinical testing. Allele origin: germline. Affected: yes. Study: VKGL Data-share Consensus. Not counted in ClinVar's aggregate classification.

Laboratory of Diagnostic Genome Analysis, Leiden University Medical Center (LUMC)
Classification: Likely benign. Review status: no assertion criteria provided. Collection method: clinical testing. Allele origin: germline. Affected: yes. Study: VKGL Data-share Consensus. Not counted in ClinVar's aggregate classification.